The following is an entry in ClinVar:

NM_000051.4(ATM):c.8011-20C>T

Genes: ATM (ATM serine/threonine kinase; plus strand), C11orf65 (chromosome 11 open reading frame 65; minus strand). Cytogenetic location: 11q22.3.
Variant type: single nucleotide variant.
Coding change: c.8011-20C>T on transcript NM_000051.4 (MANE Select); 20 bases into the intron before coding-DNA position 8011, C replaced by T.
Molecular consequence: intron variant.
Genome position (GRCh38, 1-based): chr11:108,334,949, C>T. VCF-style: chr11-108334949-C-T. GRCh37 (hg19) VCF-style: chr11-108205676-C-T.
Other names: c.8011-20C>T (NM_001351834.2); c.641-25878G>A (NM_001330368.2); c.*38+271G>A (NM_001351110.2).
Identifiers: ClinVar variation 2795124 (VCV002795124.4), dbSNP rs2136650659, ClinGen allele CA2615862935.
Genomic context (GRCh38, chr11:108,334,949, plus strand): 5'-ATTGCCATTTATAATGTATTTTTCTTTAAGTGCAAATAGTGTATCTGACCTATTATCAAT[C>T]ATGTTTATACTTTTATTAGGTGGACCACACAGGAGAATATGGAAATCTGGTGACTATACA-3'

ClinVar aggregate classification (germline): Likely benign. Review status: criteria provided, multiple submitters, no conflicts (2 of 4 stars). 2 submissions from 2 submitters: Likely benign (2). Last evaluated 2024-06-18.

Conditions:
Ataxia-telangiectasia syndrome (AT). Also called: LOUIS-BAR SYNDROME; Cerebello-oculocutaneous telangiectasia; Immunodeficiency with ataxia telangiectasia; Ataxia telangiectasia (A-T); Ataxia-telangiectasia, complementation group D; AT, COMPLEMENTATION GROUP C. Identifiers: Orphanet 100, MedGen C0004135, MONDO:0008840, OMIM 208900.
Familial cancer of breast. Also called: BREAST CANCER, FAMILIAL; Hereditary breast cancer; hereditary breast carcinoma. Identifiers: Orphanet 227535, MedGen C0346153, MONDO:0016419, OMIM 114480. Disease mechanism: loss of function.

Allele frequency attached by ClinVar (database versions not stated): gnomAD exomes below 0.00001.
gnomAD v4.1: 1 of 1,606,072 alleles (0.000062%); highest among the groups gnomAD compares: Non-Finnish European, 0.000085%; no homozygotes.

Submissions (2):

Myriad Genetics, Inc.
Classification: Likely benign for Familial cancer of breast. Last evaluated: 2024-06-18. Review status: criteria provided, single submitter. Criteria: Myriad Autosomal Dominant, Autosomal Recessive and X-Linked Classification Criteria (2023). Collection method: clinical testing. Allele origin: unknown.
Comment: This variant is considered likely benign. This variant is intronic and is not expected to impact mRNA splicing.

Labcorp Genetics (formerly Invitae), Labcorp
Classification: Likely benign for Ataxia-telangiectasia syndrome. Last evaluated: 2023-01-08. Review status: criteria provided, single submitter. Criteria: Invitae Variant Classification Sherloc (09022015). Collection method: clinical testing. Allele origin: germline.